The following is an entry in ClinVar:

NM_005633.4(SOS1):c.1760T>C (p.Ile587Thr)

Gene: SOS1 (SOS Ras/Rac guanine nucleotide exchange factor 1; minus strand). Cytogenetic location: 2p22.1.
Variant type: single nucleotide variant.
Coding change: c.1760T>C on transcript NM_005633.4 (MANE Select); coding-DNA position 1760, T replaced by C.
Protein change: p.Ile587Thr; replaces isoleucine 587 with threonine.
Molecular consequence: missense variant.
Genome position (GRCh38, 1-based): chr2:39,022,668, A>G on the plus strand (T>C on the coding strand, the complement: SOS1 is on the minus strand). VCF-style: chr2-39022668-A-G. GRCh37 (hg19) VCF-style: chr2-39249809-A-G.
Other names: c.1739T>C, p.Ile580Thr (NM_001382394.1); c.1760T>C, p.Ile587Thr (NM_001382395.1); short protein forms I587T, I580T.
Identifiers: ClinVar variation 449125 (VCV000449125.2), dbSNP rs1553356018, ClinGen allele CA346365446.

ClinVar aggregate classification (germline): Uncertain significance (1 of 4 stars; one submission).

Submission:

GeneDx
Classification: Uncertain significance. Last evaluated: 2017-08-30. Review status: criteria provided, single submitter. Criteria: GeneDx Variant Classification (06012015). Collection method: clinical testing. Allele origin: germline. Affected: yes.
Comment: The I587T variant has not been published as a pathogenic variant, nor has it been reported as a benign variant to our knowledge. The variant is not observed in large population cohorts (Lek et al., 2016; 1000 Genomes Consortium et al., 2015; Exome Variant Server). I587T is a non-conservative amino acid substitution, which is likely to impact secondary protein structure as these residues differ in polarity, charge, size and/or other properties. This substitution occurs at a position where amino acids with similar properties to Isoleucine are tolerated across species, and in silico analysis predicts this variant is probably damaging to the protein structure/function. In summary, based on the currently available information, it is unclear whether this variant is a pathogenic variant or a rare benign variant.